The following is an entry in ClinVar:

NM_020433.5(JPH2):c.1530C>T (p.Gly510=)

Gene: JPH2 (junctophilin 2; minus strand). Cytogenetic location: 20q13.12.
Variant type: single nucleotide variant.
Coding change: c.1530C>T on transcript NM_020433.5 (MANE Select); coding-DNA position 1530, C replaced by T.
Protein change: p.Gly510=; no amino-acid change (glycine 510 retained).
Molecular consequence: synonymous variant.
Genome position (GRCh38, 1-based): chr20:44,116,145, G>A on the plus strand (C>T on the coding strand, the complement: JPH2 is on the minus strand). VCF-style: chr20-44116145-G-A. GRCh37 (hg19) VCF-style: chr20-42744785-G-A.
Identifiers: ClinVar variation 3287227 (VCV003287227.3).
Genomic context (GRCh38, chr20:44,116,145, plus strand): 5'-CGCGCCCTCGGACGGAGTGACTGACCGGCTGCCCTCACCGCTGGGCTCGCCGTTCCAGGC[G>A]CCTGGGCTCAGCAGGCCGTCCTTGGACACCCCGGGCCTGGGCCGCTTGGGCTGCGGGGGC-3'
Protein context (NP_065166.2, residues 500-520): GVSKDGLLSP[Gly510=]AWNGEPSGEG

ClinVar aggregate classification (germline): Likely benign. Review status: criteria provided, multiple submitters, no conflicts (2 of 4 stars). 3 submissions from 3 submitters: Likely benign (3). Last evaluated 2026-08-12.

Conditions:
Cardiovascular phenotype. Identifiers: MedGen CN230736.
JPH2-related disorder. Also called: JPH2-related condition.

gnomAD v4.1: 3 of 1,434,204 alleles (0.00021%); highest among the groups gnomAD compares: East Asian, 0.0056%; no homozygotes.

Submissions (3):

PreventionGenetics, part of Exact Sciences
Classification: Likely benign for JPH2-related condition. Last evaluated: 2026-08-12. Review status: criteria provided, single submitter. Criteria: ACMG Guidelines, 2015. Collection method: clinical testing. Allele origin: germline.
Comment: This variant is classified as likely benign based on ACMG/AMP sequence variant interpretation guidelines (Richards et al. 2015 PMID: 25741868, with internal and published modifications).

Ambry Genetics
Classification: Likely benign for Cardiovascular phenotype. Last evaluated: 2024-03-15. Review status: criteria provided, single submitter. Criteria: Ambry Variant Classification Scheme 2023. Collection method: clinical testing. Allele origin: germline.

Blueprint Genetics
Classification: Likely benign. Last evaluated: 2022-02-18. Review status: criteria provided, single submitter. Criteria: ACMG Guidelines, 2015. Collection method: clinical testing. Allele origin: germline.